The following is an entry in ClinVar:

NM_003001.5(SDHC):c.243G>T (p.Gly81=)

Gene: SDHC (succinate dehydrogenase complex subunit C; plus strand). Cytogenetic location: 1q23.3.
Variant type: single nucleotide variant.
Coding change: c.243G>T on transcript NM_003001.5 (MANE Select); coding-DNA position 243, G replaced by T.
Protein change: p.Gly81=; no amino-acid change (glycine 81 retained).
Molecular consequence: synonymous variant. On other transcripts: missense variant (2), non-coding transcript variant (1), intron variant (3).
Genome position (GRCh38, 1-based): chr1:161,356,678, G>T. VCF-style: chr1-161356678-G-T. GRCh37 (hg19) VCF-style: chr1-161326468-G-T.
Other names: c.141G>T, p.Gly47= (NM_001035512.3); c.84G>T, p.Gly28= (NM_001035513.3); c.363G>T, p.Gly121= (NM_001407115.1); c.186G>T, p.Gly62= (NM_001407116.1); c.180G>T, p.Arg60Ser (NM_001407117.1); c.135G>T, p.Arg45Ser (NM_001407118.1); c.132G>T, p.Gly44= (NM_001407119.1, NM_001407120.1); c.242-5651G>T (NM_001035511.3); and 2 more; short protein forms R45S, R60S.
Identifiers: ClinVar variation 661612 (VCV000661612.10), dbSNP rs1314593051, ClinGen allele CA421500996.

ClinVar aggregate classification (germline): Benign/Likely benign. Review status: criteria provided, multiple submitters, no conflicts (2 of 4 stars). 4 submissions from 4 submitters: Benign (1); Likely benign (3). Last evaluated 2026-02-28.

Conditions:
Pheochromocytoma/paraganglioma syndrome 3. Also called: SDHC-Related Hereditary Paraganglioma-Pheochromocytoma Syndrome (Paragangliomas 3); SDHC-Related Hereditary Paraganglioma-Pheochromocytoma Syndrome; GLOMUS TUMORS, FAMILIAL, 3; Paragangliomas 3. Identifiers: Orphanet 29072, MedGen C1854336, MONDO:0011544, OMIM 605373.
Gastrointestinal stromal tumor. Also called: Gastrointestinal stromal tumor, somatic; Gastrointestinal stroma tumor. Identifiers: Orphanet 44890, MedGen C0238198, MeSH D046152, MONDO:0011719, OMIM 606764, HP:0100723.
Hereditary cancer-predisposing syndrome. Also called: Neoplastic Syndromes, Hereditary; Tumor predisposition; Hereditary Cancer Syndrome; Hereditary neoplastic syndrome. Identifiers: Orphanet 140162, MedGen C0027672, MeSH D009386, MONDO:0015356.
Hereditary pheochromocytoma and paraganglioma. Also called: Hereditary paragangliomas and pheochromocytomas; Hereditary pheochromocytoma-paraganglioma; Hereditary Paraganglioma-Pheochromocytoma Syndromes. Identifiers: Orphanet 29072, MedGen C4274332, MONDO:0017366.

Allele frequency attached by ClinVar (database versions not stated): gnomAD exomes below 0.00001.

Submissions (4):

Ambry Genetics
Classification: Likely benign for Hereditary cancer-predisposing syndrome. Last evaluated: 2026-02-28. Review status: criteria provided, single submitter. Criteria: Ambry Variant Classification Scheme 2023. Collection method: clinical testing. Allele origin: germline.

Color Diagnostics, LLC DBA Color Health
Classification: Likely benign for Hereditary pheochromocytoma and paraganglioma. Last evaluated: 2025-06-09. Review status: criteria provided, single submitter. Criteria: ACMG Guidelines, 2015. Collection method: clinical testing. Allele origin: germline.

Myriad Genetics, Inc.
Classification: Benign for Pheochromocytoma/paraganglioma syndrome 3. Last evaluated: 2025-03-14. Review status: criteria provided, single submitter. Criteria: Myriad Autosomal Dominant, Autosomal Recessive and X-Linked Classification Criteria (2023). Collection method: clinical testing. Allele origin: unknown.
Comment: This variant is considered benign. This variant is a silent/synonymous amino acid change and it is not expected to impact splicing.

Labcorp Genetics (formerly Invitae), Labcorp
Classification: Likely benign for Pheochromocytoma/paraganglioma syndrome 3; Gastrointestinal stromal tumor. Last evaluated: 2024-04-05. Review status: criteria provided, single submitter. Criteria: Invitae Variant Classification Sherloc (09022015). Collection method: clinical testing. Allele origin: germline.